The following is an entry in ClinVar:

ClinVar aggregate classification (germline): Uncertain significance (1 of 4 stars; one submission).

Conditions:
Severe combined immunodeficiency due to DNA-PKcs deficiency. Also called: Immunodeficiency 26 with or without neurologic abnormalities; IMMUNODEFICIENCY 26 WITH NEUROLOGIC ABNORMALITIES. Identifiers: Orphanet 317425, MedGen C4014833, MONDO:0014423, OMIM 615966.

Allele frequency attached by ClinVar (database versions not stated): gnomAD exomes below 0.00001.
gnomAD v4.1: 2 of 1,612,794 alleles (0.00012%); highest among the groups gnomAD compares: Non-Finnish European, 0.00017%; no homozygotes.

Submission:

Labcorp Genetics (formerly Invitae), Labcorp
Classification: Uncertain significance for Severe combined immunodeficiency due to DNA-PKcs deficiency. Last evaluated: 2024-07-04. Review status: criteria provided, single submitter. Criteria: Invitae Variant Classification Sherloc (09022015). Collection method: clinical testing. Allele origin: germline.
Comment: This sequence change replaces isoleucine, which is neutral and non-polar, with valine, which is neutral and non-polar, at codon 3496 of the PRKDC protein (p.Ile3496Val). This variant is not present in population databases (gnomAD no frequency). This variant has not been reported in the literature in individuals affected with PRKDC-related conditions. ClinVar contains an entry for this variant (Variation ID: 1020235). Advanced modeling of protein sequence and biophysical properties (such as structural, functional, and spatial information, amino acid conservation, physicochemical variation, residue mobility, and thermodynamic stability) performed at Invitae indicates that this missense variant is expected to disrupt PRKDC protein function with a positive predictive value of 80%. In summary, the available evidence is currently insufficient to determine the role of this variant in disease. Therefore, it has been classified as a Variant of Uncertain Significance.

NM_006904.7(PRKDC):c.10486A>G (p.Ile3496Val)

Gene: PRKDC (protein kinase, DNA-activated, catalytic subunit; minus strand). Cytogenetic location: 8q11.21.
Variant type: single nucleotide variant.
Coding change: c.10486A>G on transcript NM_006904.7 (MANE Select); coding-DNA position 10486, A replaced by G.
Protein change: p.Ile3496Val; replaces isoleucine 3496 with valine.
Molecular consequence: missense variant.
Genome position (GRCh38, 1-based): chr8:47,794,474, T>C on the plus strand (A>G on the coding strand, the complement: PRKDC is on the minus strand). VCF-style: chr8-47794474-T-C. GRCh37 (hg19) VCF-style: chr8-48707035-T-C.
Other names: c.10486A>G, p.Ile3496Val (NM_001081640.2); short protein forms I3496V.
Identifiers: ClinVar variation 1020235 (VCV001020235.5), dbSNP rs1206401203, ClinGen allele CA371134325.